The following is an entry in ClinVar:

ClinVar aggregate classification (germline): Likely benign. Review status: criteria provided, single submitter (1 of 4 stars). 2 submissions from 2 submitters: Likely benign (1). 1 of the submissions does not count toward it. Last evaluated 2023-10-20.

Conditions:
ACACA-related disorder. Also called: ACACA-related condition.

gnomAD v4.1: 26 of 1,599,282 alleles (0.0016%); highest among the groups gnomAD compares: Middle Eastern, 0.033%; no homozygotes.

Submissions (2):

Labcorp Genetics (formerly Invitae), Labcorp
Classification: Likely benign. Last evaluated: 2023-10-20. Review status: criteria provided, single submitter. Criteria: Invitae Variant Classification Sherloc (09022015). Collection method: clinical testing. Allele origin: germline.

PreventionGenetics, part of Exact Sciences
Classification: Likely benign for ACACA-related condition. Last evaluated: 2019-03-20. Review status: no assertion criteria provided. Collection method: clinical testing. Allele origin: germline. Not counted in ClinVar's aggregate classification.
Comment: This variant is classified as likely benign based on ACMG/AMP sequence variant interpretation guidelines (Richards et al. 2015 PMID: 25741868, with internal and published modifications).

NM_198834.3(ACACA):c.4777-7C>T

Gene: ACACA (acetyl-CoA carboxylase alpha; minus strand). Cytogenetic location: 17q12.
Variant type: single nucleotide variant.
Coding change: c.4777-7C>T on transcript NM_198834.3 (MANE Select); 7 bases into the intron before coding-DNA position 4777, C replaced by T.
Molecular consequence: intron variant.
Genome position (GRCh38, 1-based): chr17:37,181,363, G>A on the plus strand (C>T on the coding strand, the complement: ACACA is on the minus strand). VCF-style: chr17-37181363-G-A. GRCh37 (hg19) VCF-style: chr17-35538304-G-A.
Other names: c.4666-7C>T (NM_198839.3, NM_198836.3); c.4492-7C>T (NM_198837.2); c.4432-7C>T (NM_198838.2); c.4777-7C>T (NM_198834.2).
Identifiers: ClinVar variation 1901506 (VCV001901506.6), dbSNP rs6607364, ClinGen allele CA8514993.